The following is an entry in ClinVar:

NM_001349338.3(FOXP1):c.1355T>C (p.Ile452Thr)

Gene: FOXP1 (forkhead box P1; minus strand). Cytogenetic location: 3p13.
Variant type: single nucleotide variant.
Coding change: c.1355T>C on transcript NM_001349338.3 (MANE Select); coding-DNA position 1355, T replaced by C.
Protein change: p.Ile452Thr; replaces isoleucine 452 with threonine.
Molecular consequence: missense variant. On other transcripts: non-coding transcript variant (2).
Genome position (GRCh38, 1-based): chr3:70,977,716, A>G on the plus strand (T>C on the coding strand, the complement: FOXP1 is on the minus strand). VCF-style: chr3-70977716-A-G. GRCh37 (hg19) VCF-style: chr3-71026867-A-G.
Other names: c.1352T>C, p.Ile451Thr (NM_001244808.3, NM_001349341.3); c.1355T>C, p.Ile452Thr (NM_001244810.2, NM_001244814.3, NM_001244816.2 and 2 more transcripts); c.1127T>C, p.Ile376Thr (NM_001244812.3); c.1055T>C, p.Ile352Thr (NM_001244813.3, NM_001244815.2, NM_001349342.3); c.1052T>C, p.Ile351Thr (NM_001349337.2, NM_001349343.3, NM_001349344.3 and 1 more transcripts); short protein forms I351T, I352T, I376T, I451T, I452T.
Identifiers: ClinVar variation 1210634 (VCV001210634.3), dbSNP rs1234343955, ClinGen allele CA353493361.

ClinVar aggregate classification (germline): Uncertain significance (1 of 4 stars; one submission).

Allele frequency attached by ClinVar (database versions not stated): TOPMed below 0.00001; gnomAD 0.00001.
gnomAD v4.1: 2 of 1,614,018 alleles (0.00012%); highest among the groups gnomAD compares: Non-Finnish European, 0.00017%; no homozygotes.

Submission:

GeneDx
Classification: Uncertain significance. Last evaluated: 2020-02-07. Review status: criteria provided, single submitter. Criteria: GeneDx Variant Classification Process June 2021. Collection method: clinical testing. Allele origin: germline. Affected: yes.
Comment: In silico analysis supports that this missense variant has a deleterious effect on protein structure/function; Has not been previously published as pathogenic or benign to our knowledge